The following is an entry in ClinVar:

ClinVar aggregate classification (germline): Uncertain significance. Review status: criteria provided, multiple submitters, no conflicts (2 of 4 stars). 3 submissions from 3 submitters: Uncertain significance (2). 1 of the submissions does not count toward it. Last evaluated 2023-03-02.

Conditions:
X-linked Emery-Dreifuss muscular dystrophy. Also called: Muscular dystrophy, tardive Emery-Dreifuss type, with contractures. Identifiers: Orphanet 261, Orphanet 98863, MedGen C0751337, MONDO:0010680.
Cardiovascular phenotype. Identifiers: MedGen CN230736.
Emery-Dreifuss muscular dystrophy (EDMD). Also called: Scapuloperoneal syndrome, X-linked (formerly); Humeroperoneal neuromuscular disease, (formerly). Identifiers: Orphanet 261, MedGen C0410189, MONDO:0016830.

Allele frequency attached by ClinVar (database versions not stated): gnomAD exomes 0.00001.

Submissions (3):

Ambry Genetics
Classification: Uncertain significance for Cardiovascular phenotype. Last evaluated: 2023-03-02. Review status: criteria provided, single submitter. Criteria: Ambry Variant Classification Scheme 2023. Collection method: clinical testing. Allele origin: germline.
Comment: The p.D81G variant (also known as c.242A>G), located in coding exon 3 of the EMD gene, results from an A to G substitution at nucleotide position 242. The aspartic acid at codon 81 is replaced by glycine, an amino acid with similar properties. Based on data from gnomAD, the G allele has an overall frequency of 0.0011% (2/183393) total alleles studied, with 1 hemizygote observed. The highest observed frequency was 0.0024% (2/81861) of European (non-Finnish) alleles. This amino acid position is highly conserved in available vertebrate species. In addition, the in silico prediction for this alteration is inconclusive. Since supporting evidence is limited at this time, the clinical significance of this alteration remains unclear.

Labcorp Genetics (formerly Invitae), Labcorp
Classification: Uncertain significance for X-linked Emery-Dreifuss muscular dystrophy. Last evaluated: 2021-09-01. Review status: criteria provided, single submitter. Criteria: Invitae Variant Classification Sherloc (09022015). Collection method: clinical testing. Allele origin: germline.
Comment: This sequence change replaces aspartic acid with glycine at codon 81 of the EMD protein (p.Asp81Gly). The aspartic acid residue is highly conserved and there is a moderate physicochemical difference between aspartic acid and glycine. This variant is not present in population databases (ExAC no frequency). This variant has not been reported in the literature in individuals affected with EMD-related conditions. Algorithms developed to predict the effect of missense changes on protein structure and function are either unavailable or do not agree on the potential impact of this missense change (SIFT: "Deleterious"; PolyPhen-2: "Probably Damaging"; Align-GVGD: "Class C15"). In summary, the available evidence is currently insufficient to determine the role of this variant in disease. Therefore, it has been classified as a Variant of Uncertain Significance.

Natera, Inc.
Classification: Uncertain significance for Emery-Dreifuss muscular dystrophy. Last evaluated: 2021-02-02. Review status: no assertion criteria provided. Collection method: clinical testing. Allele origin: germline. Not counted in ClinVar's aggregate classification.

NM_000117.3(EMD):c.242A>G (p.Asp81Gly)

Gene: EMD (emerin; plus strand). Cytogenetic location: Xq28.
Variant type: single nucleotide variant.
Coding change: c.242A>G on transcript NM_000117.3 (MANE Select); coding-DNA position 242, A replaced by G.
Protein change: p.Asp81Gly; replaces aspartic acid 81 with glycine.
Molecular consequence: missense variant.
Genome position (GRCh38, 1-based): chrX:154,379,996, A>G. VCF-style: chrX-154379996-A-G. GRCh37 (hg19) VCF-style: chrX-153608356-A-G.
Other names: c.242A>G (NM_000117.2); short protein forms D81G.
Identifiers: ClinVar variation 1022207 (VCV001022207.8), dbSNP rs1557182377, ClinGen allele CA415257709.
Genomic context (GRCh38, chrX:154,379,996, plus strand): 5'-ATCCAGACTTGAATTCGACTAGAGGGGATGCAGATATGTATGATCTTCCCAAGAAAGAGG[A>G]CGCTTTACTCTACCAGAGCAAGGGTAAGGCAGGGGTTGGGTGGGCACGCTGGCACCTTCA-3'
Protein context (NP_000108.1, residues 71-91): ADMYDLPKKE[Asp81Gly]ALLYQSKGYN